The following is an entry in ClinVar:

NM_001080467.3(MYO5B):c.4459+6G>T

Genes: MYO5B (myosin VB; minus strand), SNHG22 (small nucleolar RNA host gene 22; plus strand). Cytogenetic location: 18q21.1.
Variant type: single nucleotide variant.
Coding change: c.4459+6G>T on transcript NM_001080467.3 (MANE Select); 6 bases into the intron after coding-DNA position 4459, G replaced by T.
Molecular consequence: intron variant.
Genome position (GRCh38, 1-based): chr18:49,847,140, C>A on the plus strand (G>T on the coding strand, the complement: MYO5B is on the minus strand). VCF-style: chr18-49847140-C-A. GRCh37 (hg19) VCF-style: chr18-47373510-C-A.
Identifiers: ClinVar variation 4981346 (VCV004981346.1).

ClinVar aggregate classification (germline): Likely benign (1 of 4 stars; one submission).

Conditions:
MYO5B-related disorder. Also called: MYO5B-related condition.

gnomAD v4.1: 13 of 1,613,876 alleles (0.00081%); highest among the groups gnomAD compares: Admixed American, 0.0017%; 1 homozygote.

Submission:

PreventionGenetics, part of Exact Sciences
Classification: Likely benign for MYO5B-related condition. Last evaluated: 2025-11-04. Review status: criteria provided, single submitter. Criteria: ACMG Guidelines, 2015. Collection method: clinical testing. Allele origin: germline.
Comment: This variant is classified as likely benign based on ACMG/AMP sequence variant interpretation guidelines (Richards et al. 2015 PMID: 25741868, with internal and published modifications).